The following is an entry in ClinVar:

ClinVar aggregate classification (germline): Benign. Review status: criteria provided, multiple submitters, no conflicts (2 of 4 stars). 2 submissions from 2 submitters: Benign (2). Last evaluated 2018-08-14.

Allele frequency attached by ClinVar (database versions not stated): gnomAD exomes 0.00244; gnomAD 0.02362 and 0.02515; TOPMed 0.02630; 1000 Genomes Project 0.02875; 1000 Genomes Project 30x 0.03123.
gnomAD v4.1: 6,507 of 1,296,838 alleles (0.5%); highest among the groups gnomAD compares: African/African-American, 8.1%; 272 homozygotes.

Submissions (2):

ARUP Laboratories, Molecular Genetics and Genomics, ARUP Laboratories
Classification: Benign. Last evaluated: 2018-08-14. Review status: criteria provided, single submitter. Criteria: ARUP Molecular Germline Variant Investigation Process. Collection method: clinical testing. Allele origin: germline.

GeneDx
Classification: Benign. Last evaluated: 2018-06-14. Review status: criteria provided, single submitter. Criteria: GeneDx Variant Classification (06012015). Collection method: clinical testing. Allele origin: germline. Affected: yes.
Comment: This variant is considered likely benign or benign based on one or more of the following criteria: it is a conservative change, it occurs at a poorly conserved position in the protein, it is predicted to be benign by multiple in silico algorithms, and/or has population frequency not consistent with disease.

NM_001844.5(COL2A1):c.3597+62C>T

Gene: COL2A1 (collagen type II alpha 1 chain; minus strand). Cytogenetic location: 12q13.11.
Variant type: single nucleotide variant.
Coding change: c.3597+62C>T on transcript NM_001844.5 (MANE Select); 62 bases into the intron after coding-DNA position 3597, C replaced by T.
Molecular consequence: intron variant.
Genome position (GRCh38, 1-based): chr12:47,975,901, G>A on the plus strand (C>T on the coding strand, the complement: COL2A1 is on the minus strand). VCF-style: chr12-47975901-G-A. GRCh37 (hg19) VCF-style: chr12-48369684-G-A.
Other names: c.3390+62C>T (NM_033150.3).
Identifiers: ClinVar variation 676707 (VCV000676707.9), dbSNP rs73297147, ClinGen allele CA236517557.